The following is an entry in ClinVar:

NM_015981.4(CAMK2A):c.545C>T (p.Pro182Leu)

Gene: CAMK2A (calcium/calmodulin dependent protein kinase II alpha; minus strand). Cytogenetic location: 5q32.
Variant type: single nucleotide variant.
Coding change: c.545C>T on transcript NM_015981.4 (MANE Select); coding-DNA position 545, C replaced by T.
Protein change: p.Pro182Leu; replaces proline 182 with leucine.
Molecular consequence: missense variant.
Genome position (GRCh38, 1-based): chr5:150,252,035, G>A on the plus strand (C>T on the coding strand, the complement: CAMK2A is on the minus strand). VCF-style: chr5-150252035-G-A. GRCh37 (hg19) VCF-style: chr5-149631598-G-A.
Other names: c.545C>T, p.Pro182Leu (NM_001363989.1, NM_001363990.1, NM_001369025.2 and 1 more transcripts); short protein forms P182L.
Identifiers: ClinVar variation 3251933 (VCV003251933.1), dbSNP rs2532316136.

ClinVar aggregate classification (germline): Uncertain significance (1 of 4 stars; one submission).

Conditions:
Intellectual developmental disorder, autosomal dominant 53. Also called: MENTAL RETARDATION, AUTOSOMAL DOMINANT 53; Intellectual disability, autosomal dominant 53. Identifiers: MedGen C4540481, MONDO:0030919, OMIM 617798.

Submission:

Institute of Immunology and Genetics Kaiserslautern
Classification: Uncertain significance for Intellectual developmental disorder, autosomal dominant 53. Last evaluated: 2024-05-02. Review status: criteria provided, single submitter. Criteria: ACMG Guidelines, 2015. Collection method: clinical testing. Allele origin: germline. Affected: yes.
Comment: ACMG Criteria: PM2, PP3; Variant was found in heterozygous state